The following is an entry in ClinVar:

NM_003742.4(ABCB11):c.1605C>T (p.Ala535=)

Gene: ABCB11 (ATP binding cassette subfamily B member 11; minus strand). Cytogenetic location: 2q31.1.
Variant type: single nucleotide variant.
Coding change: c.1605C>T on transcript NM_003742.4 (MANE Select); coding-DNA position 1605, C replaced by T.
Protein change: p.Ala535=; no amino-acid change (alanine 535 retained).
Molecular consequence: synonymous variant.
Genome position (GRCh38, 1-based): chr2:168,971,880, G>A on the plus strand (C>T on the coding strand, the complement: ABCB11 is on the minus strand). VCF-style: chr2-168971880-G-A. GRCh37 (hg19) VCF-style: chr2-169828390-G-A.
Other names: c.1605C>T, p.Ala535= (LRG_1199t1).
Identifiers: ClinVar variation 194383 (VCV000194383.27), dbSNP rs144848376, ClinGen allele CA201155.

ClinVar aggregate classification (germline): Benign/Likely benign. Review status: criteria provided, multiple submitters, no conflicts (2 of 4 stars). 8 submissions from 8 submitters: Benign (4); Likely benign (2). 2 of the submissions do not count toward it. Last evaluated 2026-04-14.

Conditions:
Familial intrahepatic cholestasis. Identifiers: Orphanet 284385, MedGen CN296401, MONDO:0017290.
ABCB11-related disorder. Also called: ABCB11-related condition.
Progressive familial intrahepatic cholestasis type 2. Identifiers: Orphanet 79304, MedGen C3489789, MONDO:0011156, OMIM 601847.

Allele frequency attached by ClinVar (database versions not stated): gnomAD exomes 0.00034 and 0.00093; gnomAD 0.00039 and 0.00050; TOPMed 0.00063; ExAC 0.00089; 1000 Genomes Project 0.00100; 1000 Genomes Project 30x 0.00172.
gnomAD v4.1: 642 of 1,612,908 alleles (0.04%); highest among the groups gnomAD compares: East Asian, 1.2%; 6 homozygotes.

Submissions (8):

Genomenon, Inc
Classification: Benign for Familial intrahepatic cholestasis. Last evaluated: 2026-04-14. Review status: criteria provided, single submitter. Criteria: Genomenon Sequence Variant Interpretation Standards - Updated. Collection method: curation. Allele origin: germline. Affected: no.
Comment: ABCB11 c.1605C>T is a synonymous variant that retains Alanine at residue 535. This variant is present at high allele frequency in population databases. In conclusion, we classify ABCB11 p.Ala535= (c.1605C>T) as a benign variant.

Labcorp Genetics (formerly Invitae), Labcorp
Classification: Benign. Last evaluated: 2026-02-02. Review status: criteria provided, single submitter. Criteria: Invitae Variant Classification Sherloc (09022015). Collection method: clinical testing. Allele origin: germline.

Blueprint Genetics
Classification: Likely benign. Last evaluated: 2024-11-20. Review status: criteria provided, single submitter. Criteria: ACMG Guidelines, 2015. Collection method: clinical testing. Allele origin: germline.

GeneDx
Classification: Likely benign. Last evaluated: 2018-04-16. Review status: criteria provided, single submitter. Criteria: GeneDx Variant Classification Process June 2021. Collection method: clinical testing. Allele origin: germline. Affected: yes.
Comment: This variant is associated with the following publications: (PMID: 19101985, 23279303, 16290310)

Illumina Laboratory Services, Illumina
Classification: Benign for Progressive familial intrahepatic cholestasis type 2. Last evaluated: 2017-05-04. Review status: criteria provided, single submitter. Criteria: ICSL Variant Classification Criteria 13 December 2019. Collection method: clinical testing. Allele origin: germline.
Comment: This variant was observed as part of a predisposition screen in an ostensibly healthy population. A literature search was performed for the gene, cDNA change, and amino acid change (where applicable). No publications were found based on this search. Allele frequency data from public databases was too high to be consistent with this variant causing disease. Therefore, this variant is classified as benign.

Eurofins Ntd Llc (ga)
Classification: Benign. Last evaluated: 2015-04-21. Review status: criteria provided, single submitter. Criteria: EGL Classification Definitions 2015. Collection method: clinical testing. Allele origin: germline. Observed: 1 variant allele, 1 heterozygote.

Natera, Inc.
Classification: Likely benign for Progressive familial intrahepatic cholestasis type 2. Last evaluated: 2019-12-09. Review status: no assertion criteria provided. Collection method: clinical testing. Allele origin: germline. Not counted in ClinVar's aggregate classification.

PreventionGenetics, part of Exact Sciences
Classification: Benign for ABCB11-related condition. Last evaluated: 2019-10-03. Review status: no assertion criteria provided. Collection method: clinical testing. Allele origin: germline. Not counted in ClinVar's aggregate classification.
Comment: This variant is classified as benign based on ACMG/AMP sequence variant interpretation guidelines (Richards et al. 2015 PMID: 25741868, with internal and published modifications).

Literature cited by the submitters: PubMed 23279303 (cited by Eurofins Ntd Llc (ga)).